The following is an entry in ClinVar:

ClinVar aggregate classification (germline): Uncertain significance. Review status: criteria provided, multiple submitters, no conflicts (2 of 4 stars). 2 submissions from 2 submitters: Uncertain significance (2). Last evaluated 2025-12-14.

Conditions:
Hereditary cancer-predisposing syndrome. Also called: Tumor predisposition; Hereditary neoplastic syndrome; Neoplastic Syndromes, Hereditary; Hereditary Cancer Syndrome. Identifiers: Orphanet 140162, MedGen C0027672, MeSH D009386, MONDO:0015356.

Submissions (2):

Labcorp Genetics (formerly Invitae), Labcorp
Classification: Uncertain significance. Last evaluated: 2025-12-14. Review status: criteria provided, single submitter. Criteria: Invitae Variant Classification Sherloc (09022015). Collection method: clinical testing. Allele origin: germline.
Comment: This sequence change replaces isoleucine, which is neutral and non-polar, with methionine, which is neutral and non-polar, at codon 1564 of the POLE protein (p.Ile1564Met). This variant is not present in population databases (gnomAD no frequency). This variant has not been reported in the literature in individuals affected with POLE-related conditions. ClinVar contains an entry for this variant (Variation ID: 857198). Invitae Evidence Modeling of protein sequence and biophysical properties (such as structural, functional, and spatial information, amino acid conservation, physicochemical variation, residue mobility, and thermodynamic stability) indicates that this missense variant is not expected to disrupt POLE protein function with a negative predictive value of 80%. In summary, the available evidence is currently insufficient to determine the role of this variant in disease. Therefore, it has been classified as a Variant of Uncertain Significance.

Ambry Genetics
Classification: Uncertain significance for Hereditary cancer-predisposing syndrome. Last evaluated: 2024-06-25. Review status: criteria provided, single submitter. Criteria: Ambry Variant Classification Scheme 2023. Collection method: clinical testing. Allele origin: germline.
Comment: The p.I1564M variant (also known as c.4692C>G), located in coding exon 36 of the POLE gene, results from a C to G substitution at nucleotide position 4692. The isoleucine at codon 1564 is replaced by methionine, an amino acid with highly similar properties. This amino acid position is conserved. In addition, this alteration is predicted to be tolerated by in silico analysis. Based on the available evidence, the clinical significance of this variant remains unclear.

NM_006231.4(POLE):c.4692C>G (p.Ile1564Met)

Gene: POLE (DNA polymerase epsilon, catalytic subunit; minus strand). Cytogenetic location: 12q24.33.
Variant type: single nucleotide variant.
Coding change: c.4692C>G on transcript NM_006231.4 (MANE Select); coding-DNA position 4692, C replaced by G.
Protein change: p.Ile1564Met; replaces isoleucine 1564 with methionine.
Molecular consequence: missense variant.
Genome position (GRCh38, 1-based): chr12:132,642,856, G>C on the plus strand (C>G on the coding strand, the complement: POLE is on the minus strand). VCF-style: chr12-132642856-G-C. GRCh37 (hg19) VCF-style: chr12-133219442-G-C.
Other names: c.4692C>G (NM_006231.2); short protein forms I1564M.
Identifiers: ClinVar variation 857198 (VCV000857198.10), dbSNP rs748286441, ClinGen allele CA387378767.